The following is an entry in ClinVar:

ClinVar aggregate classification (germline): Uncertain significance (1 of 4 stars; one submission).

Conditions:
Epileptic encephalopathy. Identifiers: MedGen C0543888, HP:0200134.

Allele frequency attached by ClinVar (database versions not stated): TOPMed 0.00001; gnomAD 0.00002; ExAC 0.00003; gnomAD exomes 0.00003 and 0.00005; 1000 Genomes Project 0.00060; 1000 Genomes Project 30x 0.00078.
gnomAD v4.1: 39 of 1,611,768 alleles (0.0024%); highest among the groups gnomAD compares: South Asian, 0.029%; no homozygotes.

Submission:

Labcorp Genetics (formerly Invitae), Labcorp
Classification: Uncertain significance for Epileptic encephalopathy. Last evaluated: 2021-02-20. Review status: criteria provided, single submitter. Criteria: Invitae Variant Classification Sherloc (09022015). Collection method: clinical testing. Allele origin: germline.
Comment: In summary, the available evidence is currently insufficient to determine the role of this variant in disease. Therefore, it has been classified as a Variant of Uncertain Significance. Algorithms developed to predict the effect of sequence changes on RNA splicing suggest that this variant may create or strengthen a splice site, but this prediction has not been confirmed by published transcriptional studies. This sequence change replaces alanine with valine at codon 841 of the FASN protein (p.Ala841Val). The alanine residue is weakly conserved and there is a small physicochemical difference between alanine and valine. This variant is present in population databases (rs564753436, ExAC 0.02%). This variant has not been reported in the literature in individuals with FASN-related conditions. Algorithms developed to predict the effect of missense changes on protein structure and function (SIFT, PolyPhen-2, Align-GVGD) all suggest that this variant is likely to be tolerated, but these predictions have not been confirmed by published functional studies and their clinical significance is uncertain.

NM_004104.5(FASN):c.2522C>T (p.Ala841Val)

Gene: FASN (fatty acid synthase; minus strand). Cytogenetic location: 17q25.3.
Variant type: single nucleotide variant.
Coding change: c.2522C>T on transcript NM_004104.5 (MANE Select); coding-DNA position 2522, C replaced by T.
Protein change: p.Ala841Val; replaces alanine 841 with valine.
Molecular consequence: missense variant.
Genome position (GRCh38, 1-based): chr17:82,088,461, G>A on the plus strand (C>T on the coding strand, the complement: FASN is on the minus strand). VCF-style: chr17-82088461-G-A. GRCh37 (hg19) VCF-style: chr17-80046337-G-A.
Other names: short protein forms A841V.
Identifiers: ClinVar variation 1353536 (VCV001353536.8), dbSNP rs564753436, ClinGen allele CA8852762.